The following is an entry in ClinVar:

ClinVar aggregate classification (germline): Conflicting classifications of pathogenicity. Review status: criteria provided, conflicting classifications (1 of 4 stars). 2 submissions from 1 submitter: Uncertain significance (1); Likely benign (1). Last evaluated 2018-01-13.

Conditions:
Autosomal recessive spinocerebellar ataxia 14. Also called: CEREBELLAR ATAXIA, AUTOSOMAL RECESSIVE, SPECTRIN-ASSOCIATED, 1. Identifiers: Orphanet 352403, MedGen C4706415, MONDO:0014159, OMIM 615386.
Spinocerebellar ataxia type 5 (SCA5). Identifiers: Orphanet 98766, MedGen C0752123, MONDO:0010848, OMIM 600224.

Allele frequency attached by ClinVar (database versions not stated): 1000 Genomes Project 0.00040; ExAC 0.00041; 1000 Genomes Project 30x 0.00047; gnomAD 0.00053 and 0.00054; ESP Exome Variant Server 0.00054; TOPMed 0.00058.
gnomAD v4.1: 1,073 of 1,614,032 alleles (0.066%); highest among the groups gnomAD compares: Non-Finnish European, 0.086%; 1 homozygote.

Submissions (3):

Illumina Laboratory Services, Illumina
Classification: Likely benign for Spinocerebellar ataxia type 5. Last evaluated: 2018-01-13. Review status: criteria provided, single submitter. Criteria: ICSL Variant Classification Criteria 13 December 2019. Collection method: clinical testing. Allele origin: germline.
Comment: This variant was observed in the ICSL laboratory as part of a predisposition screen in an ostensibly healthy population. It had not been previously curated by ICSL or reported in the Human Gene Mutation Database (HGMD: prior to June 1st, 2018), and was therefore a candidate for classification through an automated scoring system. Utilizing variant allele frequency, disease prevalence and penetrance estimates, and inheritance mode, an automated score was calculated to assess if this variant is too frequent to cause the disease. Based on the score and internal cut-off values, a variant classified as likely benign is not then subjected to further curation. The score for this variant resulted in a classification of likely benign for this disease.

Illumina Laboratory Services, Illumina
Classification: Uncertain significance for Autosomal recessive spinocerebellar ataxia 14. Last evaluated: 2018-01-13. Review status: criteria provided, single submitter. Criteria: ICSL Variant Classification Criteria 13 December 2019. Collection method: clinical testing. Allele origin: germline.

Dr. Peter K. Rogan Lab, Western University
No classification provided (evidence only). Condition: Cervical cancer. Review status: no classification provided. Collection method: in vitro. Allele origin: not applicable. Functional consequence: retained intron. Not counted in ClinVar's aggregate classification.

NM_006946.4(SPTBN2):c.-22-10C>A

Gene: SPTBN2 (spectrin beta, non-erythrocytic 2; minus strand). Cytogenetic location: 11q13.2.
Variant type: single nucleotide variant.
Coding change: c.-22-10C>A on transcript NM_006946.4 (MANE Select); 10 bases into the intron before 22 bases upstream of the start codon, C replaced by A.
Molecular consequence: intron variant.
Genome position (GRCh38, 1-based): chr11:66,721,272, G>T on the plus strand (C>A on the coding strand, the complement: SPTBN2 is on the minus strand). VCF-style: chr11-66721272-G-T. GRCh37 (hg19) VCF-style: chr11-66488743-G-T.
Other names: NC_000011.9:g.66488743G>T.
Identifiers: ClinVar variation 305605 (VCV000305605.6), dbSNP rs200435327, ClinGen allele CA6129795.